The following is an entry in ClinVar:

NM_002055.5(GFAP):c.1127G>A (p.Arg376Gln)

Genes: GFAP (glial fibrillary acidic protein; minus strand), LOC130060994 (ATAC-STARR-seq lymphoblastoid active region 12266; plus strand). Cytogenetic location: 17q21.31.
Variant type: single nucleotide variant.
Coding change: c.1127G>A on transcript NM_002055.5 (MANE Select); coding-DNA position 1127, G replaced by A.
Protein change: p.Arg376Gln; replaces arginine 376 with glutamine.
Molecular consequence: missense variant.
Genome position (GRCh38, 1-based): chr17:44,911,236, C>T on the plus strand (G>A on the coding strand, the complement: GFAP is on the minus strand). VCF-style: chr17-44911236-C-T. GRCh37 (hg19) VCF-style: chr17-42988604-C-T.
Other names: c.1127G>A, p.Arg376Gln (NM_001131019.3, NM_001242376.3, NM_001363846.2); short protein forms R376Q.
Identifiers: ClinVar variation 2024417 (VCV002024417.5), dbSNP rs2508933141, ClinGen allele CA399843291.

ClinVar aggregate classification (germline): Conflicting classifications of pathogenicity. Review status: criteria provided, conflicting classifications (1 of 4 stars). 2 submissions from 2 submitters: Likely pathogenic (1); Uncertain significance (1). Last evaluated 2026-01-29.

Conditions:
Alexander disease (ALXDRD). Also called: Alexander's disease. Identifiers: Orphanet 58, MedGen C0270726, MONDO:0008752, OMIM 203450.

Allele frequency attached by ClinVar (database versions not stated): gnomAD exomes below 0.00001.
gnomAD v4.1: 2 of 1,613,258 alleles (0.00012%); highest among the groups gnomAD compares: Non-Finnish European, 0.00017%; no homozygotes.

Submissions (2):

Kasturba Medical College, Manipal, Kasturba Medical College, Manipal, Manipal Academy of Higher Education, Manipal, India
Classification: Likely pathogenic for Alexander disease. Last evaluated: 2026-01-29. Review status: criteria provided, single submitter. Criteria: ACMG Guidelines, 2015. Collection method: research. Allele origin: unknown. Inheritance: Autosomal dominant inheritance. Affected: yes. Observed: 1 heterozygote.
Comment: A known missense variant, c.1127G>A in exon 6 of GFAP, was observed in a heterozygous state in the proband (Benzoni et al., 2020). This variant is present in two individuals in heterozygous state and absent in homozygous state in the population database gnomAD (v4.1.0). This variant is absent in homozygous and/or heterozygous state in our in-house database of 3856 exomes. In-silico prediction tools (REVEL, CADD_phred) are consistent in predicting the variant to be damaging to the GFAP protein function. SpliceAI further predicts a high likelihood of aberrant splicing (delta score = 0.77). A study by Bachetti et al (2025) showed that this variant affects the intermediate filament network and induces protein aggregate formation in an astrocytoma cell line transfected with plasmids encoding the GFAP p.Arg376Gln variant. They also showed that this variant causes aberrant splicing, resulting in the skipping of exon 6 and partial inclusion of intron 6 in patient-derived lymphoblasts.

Labcorp Genetics (formerly Invitae), Labcorp
Classification: Uncertain significance. Last evaluated: 2022-08-17. Review status: criteria provided, single submitter. Criteria: Invitae Variant Classification Sherloc (09022015). Collection method: clinical testing. Allele origin: germline.
Comment: Variants that disrupt the consensus splice site are a relatively common cause of aberrant splicing (PMID: 17576681, 9536098). Algorithms developed to predict the effect of sequence changes on RNA splicing suggest that this variant may create or strengthen a splice site. This sequence change replaces arginine, which is basic and polar, with glutamine, which is neutral and polar, at codon 376 of the GFAP protein (p.Arg376Gln). This variant also falls at the last nucleotide of exon 6, which is part of the consensus splice site for this exon. This variant is not present in population databases (gnomAD no frequency). This variant has not been reported in the literature in individuals affected with GFAP-related conditions. Algorithms developed to predict the effect of missense changes on protein structure and function are either unavailable or do not agree on the potential impact of this missense change (SIFT: "Deleterious"; PolyPhen-2: "Probably Damaging"; Align-GVGD: "Class C0"). This variant disrupts the p.Arg376 amino acid residue in GFAP. Other variant(s) that disrupt this residue have been determined to be pathogenic (PMID: 18217876, 21533827, 23149175, 27468269; Invitae). This suggests that this residue is clinically significant, and that variants that disrupt this residue are likely to be disease-causing. In summary, the available evidence is currently insufficient to determine the role of this variant in disease. Therefore, it has been classified as a Variant of Uncertain Significance.

Literature cited by the submitters: PubMed 32223977 (cited by Kasturba Medical College, Manipal, Kasturba Medical College, Manipal, Manipal Academy of Higher Education, Manipal, India); PubMed 40447444 (cited by Kasturba Medical College, Manipal, Kasturba Medical College, Manipal, Manipal Academy of Higher Education, Manipal, India); PubMed 17576681 (cited by Labcorp Genetics (formerly Invitae), Labcorp); PubMed 9536098 (cited by Labcorp Genetics (formerly Invitae), Labcorp); PubMed 18217876 (cited by Labcorp Genetics (formerly Invitae), Labcorp); PubMed 21533827 (cited by Labcorp Genetics (formerly Invitae), Labcorp); PubMed 23149175 (cited by Labcorp Genetics (formerly Invitae), Labcorp); PubMed 27468269 (cited by Labcorp Genetics (formerly Invitae), Labcorp).